The following is an entry in ClinVar:

ClinVar aggregate classification (germline): Uncertain significance (1 of 4 stars; one submission).

Allele frequency attached by ClinVar (database versions not stated): TOPMed below 0.00001; gnomAD 0.00001; gnomAD exomes 0.00001.
gnomAD v4.1: 7 of 1,612,064 alleles (0.00043%); highest among the groups gnomAD compares: Admixed American, 0.005%; no homozygotes.

Submission:

Labcorp Genetics (formerly Invitae), Labcorp
Classification: Uncertain significance. Last evaluated: 2022-06-17. Review status: criteria provided, single submitter. Criteria: Invitae Variant Classification Sherloc (09022015). Collection method: clinical testing. Allele origin: germline.
Comment: This sequence change falls in intron 10 of the ADAMTSL4 gene. It does not directly change the encoded amino acid sequence of the ADAMTSL4 protein. This variant is present in population databases (rs747351205, gnomAD 0.01%). This variant has not been reported in the literature in individuals affected with ADAMTSL4-related conditions. Algorithms developed to predict the effect of sequence changes on RNA splicing suggest that this variant may disrupt the consensus splice site. In summary, the available evidence is currently insufficient to determine the role of this variant in disease. Therefore, it has been classified as a Variant of Uncertain Significance.

NM_019032.6(ADAMTSL4):c.1749+10G>T

Genes: ADAMTSL4-AS2 (ADAMTSL4 antisense RNA 2; minus strand), ADAMTSL4 (ADAMTS like 4; plus strand). Cytogenetic location: 1q21.2.
Variant type: single nucleotide variant.
Coding change: c.1749+10G>T on transcript NM_019032.6 (MANE Select); 10 bases into the intron after coding-DNA position 1749, G replaced by T.
Molecular consequence: intron variant.
Genome position (GRCh38, 1-based): chr1:150,556,803, G>T. VCF-style: chr1-150556803-G-T. GRCh37 (hg19) VCF-style: chr1-150529279-G-T.
Other names: c.1818+10G>T (NM_001288608.2, NM_001288607.2); c.1749+10G>T (NM_001378596.1, NM_025008.5).
Identifiers: ClinVar variation 1960563 (VCV001960563.2), dbSNP rs747351205, ClinGen allele CA30070972.